The following is an entry in ClinVar:

ClinVar aggregate classification (germline): Likely benign. Review status: criteria provided, single submitter (1 of 4 stars). 2 submissions from 2 submitters: Likely benign (1). 1 of the submissions does not count toward it. Last evaluated 2023-03-23.

Conditions:
Hereditary cancer-predisposing syndrome. Also called: Tumor predisposition; Neoplastic Syndromes, Hereditary; Hereditary Cancer Syndrome; Hereditary neoplastic syndrome. Identifiers: Orphanet 140162, MedGen C0027672, MeSH D009386, MONDO:0015356.
Breast-ovarian cancer, familial, susceptibility to, 1 (BROVCA1). Also called: OVARIAN CANCER, SUSCEPTIBILITY TO; BRCA1 Hereditary Breast and Ovarian Cancer. Identifiers: Orphanet 145, MedGen C2676676, MONDO:0011450, OMIM 604370. Disease mechanism: loss of function.

Submissions (2):

University of Washington Department of Laboratory Medicine, University of Washington
Classification: Likely benign for Hereditary cancer-predisposing syndrome. Last evaluated: 2023-03-23. Review status: criteria provided, single submitter. Criteria: Dines et al. (Genet Med. 2020). Collection method: curation. Allele origin: germline.
Comment: Missense variant in a coldspot region where missense variants are very unlikely to be pathogenic (PMID:31911673).

BRCA1 coldspot (exon 11 using historical exon numbering). Reclassification based on statistical prior probability

Breast Cancer Information Core (BIC) (BRCA1)
Classification: Uncertain significance for Breast-ovarian cancer, familial 1. Last evaluated: 2004-12-30. Review status: no assertion criteria provided. Collection method: clinical testing. Allele origin: germline. Affected: yes. Observed: 1 variant allele. Not counted in ClinVar's aggregate classification.

NM_007294.4(BRCA1):c.2474A>T (p.Asp825Val)

Gene: BRCA1 (BRCA1 DNA repair associated; minus strand). Cytogenetic location: 17q21.31.
Variant type: single nucleotide variant.
Coding change: c.2474A>T on transcript NM_007294.4 (MANE Select); coding-DNA position 2474, A replaced by T.
Protein change: p.Asp825Val; replaces aspartic acid 825 with valine.
Molecular consequence: missense variant. On other transcripts: intron variant (137).
Genome position (GRCh38, 1-based): chr17:43,093,057, T>A on the plus strand (A>T on the coding strand, the complement: BRCA1 is on the minus strand). VCF-style: chr17-43093057-T-A. GRCh37 (hg19) VCF-style: chr17-41245074-T-A.
Other names: c.2333A>T, p.Asp778Val (NM_001407735.1, NM_001407736.1, NM_001407737.1 and 29 more transcripts); c.2330A>T, p.Asp777Val (NM_001407740.1, NM_001407741.1, NM_001407742.1 and 20 more transcripts); c.2261A>T, p.Asp754Val (NM_001407853.1, NM_001407894.1, NM_001407895.1 and 9 more transcripts); c.2474A>T, p.Asp825Val (NM_001407854.1, NM_001407858.1, NM_001407859.1 and 30 more transcripts); c.2471A>T, p.Asp824Val (NM_001407860.1, NM_001407861.1, NM_001407587.1 and 22 more transcripts); c.2273A>T, p.Asp758Val (NM_001407862.1); c.2351A>T, p.Asp784Val (NM_001407863.1, NM_001407919.1, NM_001407937.1 and 19 more transcripts); c.2270A>T, p.Asp757Val (NM_001407874.1, NM_001407875.1); and 41 more; short protein forms D825V, D778V, D529V, D713V, D736V, D737V, D698V, D714V.
Identifiers: ClinVar variation 54576 (VCV000054576.5), dbSNP rs80357249, ClinGen allele CA001645.
Genomic context (GRCh38, chr17:43,093,057, plus strand): 5'-ATGCTTGTTTCCCGACTGTGGTTAACTTCATGTCCCAATGGATACTTAAAGCCTTCTGTG[T>A]CATTTCTATTATCTTTGGAACAACCATGAATTAGTCCCTTGGGGTTTTCAAATGCTGCAC-3'
Protein context (NP_009225.1, residues 815-835): IHGCSKDNRN[Asp825Val]TEGFKYPLGH